The following is an entry in ClinVar:

ClinVar aggregate classification (germline): Likely benign (1 of 4 stars; one submission).

Conditions:
Loeys-Dietz syndrome 2 (LDS2). Also called: TGFBR2-Related Loeys-Dietz Syndrome; AORTIC ANEURYSM, FAMILIAL THORACIC 3; MARFAN SYNDROME, TYPE II; Marfan syndrome, type 2 (formerly); Marfan Syndrome type 2; Marfan like connective tissue disorder. Identifiers: Orphanet 284973, Orphanet 558, MedGen C2674574, MONDO:0012427, OMIM 610168.

gnomAD v4.1: 1 of 1,614,194 alleles (0.000062%); highest among the groups gnomAD compares: Non-Finnish European, 0.000085%; no homozygotes.

Submission:

All of Us Research Program, National Institutes of Health
Classification: Likely benign for Loeys-Dietz syndrome 2. Last evaluated: 2024-07-20. Review status: criteria provided, single submitter. Criteria: ACMG Guidelines, 2015. Collection method: clinical testing. Allele origin: germline. Inheritance: Autosomal dominant inheritance. Observed: 1 variant allele, 1 heterozygote.
Comment: This study involves interpretation of variants in research participants for the purpose of population health screening. Participant phenotype was not available at the time of variant classification. Additional details can be found in publication PMID: 35346344, PMCID: PMC8962531

NM_003242.6(TGFBR2):c.945G>T (p.Thr315=)

Gene: TGFBR2 (transforming growth factor beta receptor 2; plus strand). Cytogenetic location: 3p24.1.
Variant type: single nucleotide variant.
Coding change: c.945G>T on transcript NM_003242.6 (MANE Select); coding-DNA position 945, G replaced by T.
Protein change: p.Thr315=; no amino-acid change (threonine 315 retained).
Molecular consequence: synonymous variant. On other transcripts: intron variant (1).
Genome position (GRCh38, 1-based): chr3:30,672,128, G>T. VCF-style: chr3-30672128-G-T. GRCh37 (hg19) VCF-style: chr3-30713620-G-T.
Other names: c.1020G>T, p.Thr340= (NM_001024847.3); c.1128G>T, p.Thr376= (NM_001407126.1); c.1053G>T, p.Thr351= (NM_001407127.1); c.972G>T, p.Thr324= (NM_001407128.1); c.948G>T, p.Thr316= (NM_001407129.1); c.945G>T, p.Thr315= (NM_001407130.1); c.840G>T, p.Thr280= (NM_001407132.1, NM_001407133.1, NM_001407134.1 and 2 more transcripts); c.660G>T, p.Thr220= (NM_001407137.1); and 2 more.
Identifiers: ClinVar variation 3386068 (VCV003386068.1).